The following is an entry in ClinVar:

ClinVar aggregate classification (germline): Pathogenic/Likely pathogenic. Review status: criteria provided, multiple submitters, no conflicts (2 of 4 stars). 2 submissions from 2 submitters: Pathogenic (1); Likely pathogenic (1). Last evaluated 2025-11-26.

Conditions:
Marfan syndrome (MFS). Also called: MARFAN SYNDROME, TYPE I; Marfan syndrome type 1; Marfan's syndrome; Marfan syndrome, classic; FBN1-Related Marfan Syndrome. Identifiers: Orphanet 284963, Orphanet 558, MedGen C0024796, MONDO:0007947, OMIM 154700.
Familial thoracic aortic aneurysm and aortic dissection (TAAD). Also called: Thoracic aortic aneurysms and dissections. Identifiers: Orphanet 91387, MedGen C4707243, MONDO:0019625.

Submissions (2):

Ambry Genetics
Classification: Likely pathogenic for Familial thoracic aortic aneurysm and aortic dissection. Last evaluated: 2025-11-26. Review status: criteria provided, single submitter. Criteria: Ambry Variant Classification Scheme 2023. Collection method: clinical testing. Allele origin: germline.
Comment: The c.1589-1G>C intronic variant results from a G to C substitution one nucleotide upstream from coding exon 13 of the FBN1 gene. Alterations that disrupt the canonical splice site are expected to cause aberrant splicing, resulting in an abnormal protein or a transcript that is subject to nonsense-mediated mRNA decay. In silico splice site analysis predicts that this alteration will weaken the native splice acceptor site and will result in the creation or strengthening of a novel splice acceptor site. A resulting transcript is predicted to be in-frame and is not expected to trigger nonsense-mediated mRNA decay; although, direct evidence is unavailable. However, the region predicted to be impacted is critical for protein function (Ambry internal data). This variant was reported in individual(s) with features consistent with Marfan syndrome and related fibrillinopathies (Yang H et al. Sci Rep, 2016 Sep;6:33002; Zhurayev R et al. Genet Res (Camb), 2016 Oct;98:e13; Ambry internal data). This variant is considered to be rare based on population cohorts in the Genome Aggregation Database (gnomAD). This nucleotide position is highly conserved in available vertebrate species. As such, this alteration is classified as likely pathogenic.

Labcorp Genetics (formerly Invitae), Labcorp
Classification: Pathogenic for Marfan syndrome; Familial thoracic aortic aneurysm and aortic dissection. Last evaluated: 2023-02-13. Review status: criteria provided, single submitter. Criteria: Invitae Variant Classification Sherloc (09022015). Collection method: clinical testing. Allele origin: germline.
Comment: Algorithms developed to predict the effect of sequence changes on RNA splicing suggest that this variant may disrupt the consensus splice site. For these reasons, this variant has been classified as Pathogenic. Disruption of this splice site has been observed in individuals with Marfan syndrome (PMID: 27611364, 27724990). This sequence change affects an acceptor splice site in intron 13 of the FBN1 gene. It is expected to disrupt RNA splicing. Variants that disrupt the donor or acceptor splice site typically lead to a loss of protein function (PMID: 16199547), and loss-of-function variants in FBN1 are known to be pathogenic (PMID: 17657824, 19293843). This variant is not present in population databases (gnomAD no frequency).

Literature cited by the submitters: PubMed 27611364 (cited by Ambry Genetics and Labcorp Genetics (formerly Invitae), Labcorp); PubMed 27724990 (cited by Ambry Genetics and Labcorp Genetics (formerly Invitae), Labcorp); PubMed 16199547 (cited by Labcorp Genetics (formerly Invitae), Labcorp); PubMed 17657824 (cited by Labcorp Genetics (formerly Invitae), Labcorp); PubMed 19293843 (cited by Labcorp Genetics (formerly Invitae), Labcorp).

NM_000138.5(FBN1):c.1589-1G>C

Gene: FBN1 (fibrillin 1; minus strand). Cytogenetic location: 15q21.1.
Variant type: single nucleotide variant.
Coding change: c.1589-1G>C on transcript NM_000138.5 (MANE Select); the canonical splice acceptor site of the intron before coding-DNA position 1589, G replaced by C.
Molecular consequence: splice acceptor variant.
Genome position (GRCh38, 1-based): chr15:48,510,170, C>G on the plus strand (G>C on the coding strand, the complement: FBN1 is on the minus strand). VCF-style: chr15-48510170-C-G. GRCh37 (hg19) VCF-style: chr15-48802367-C-G.
Other names: c.1589-1G>C (NM_000138.4, NM_001406716.1).
Identifiers: ClinVar variation 2944214 (VCV002944214.4), dbSNP rs1555400077, ClinGen allele CA392341422.